The following is an entry in ClinVar:

NM_002887.4(RARS1):c.1236+11A>G

Gene: RARS1 (arginyl-tRNA synthetase 1; plus strand). Cytogenetic location: 5q34.
Variant type: single nucleotide variant.
Coding change: c.1236+11A>G on transcript NM_002887.4 (MANE Select); 11 bases into the intron after coding-DNA position 1236, A replaced by G.
Molecular consequence: intron variant.
Genome position (GRCh38, 1-based): chr5:168,506,210, A>G. VCF-style: chr5-168506210-A-G. GRCh37 (hg19) VCF-style: chr5-167933215-A-G.
Identifiers: ClinVar variation 380056 (VCV000380056.11), dbSNP rs2305735, ClinGen allele CA3549848.

ClinVar aggregate classification (germline): Benign. Review status: criteria provided, multiple submitters, no conflicts (2 of 4 stars). 2 submissions from 2 submitters: Benign (2). Last evaluated 2026-02-03.

Allele frequency attached by ClinVar (database versions not stated): 1000 Genomes Project 0.07448; 1000 Genomes Project 30x 0.07464; TOPMed 0.11886; gnomAD 0.12963 and 0.13281; gnomAD exomes 0.13626 and 0.16757; ESP Exome Variant Server 0.13724; ExAC 0.14015.
gnomAD v4.1: 249,793 of 1,529,900 alleles (16%); highest among the groups gnomAD compares: Non-Finnish European, 19%; 22,710 homozygotes.

Submissions (2):

Labcorp Genetics (formerly Invitae), Labcorp
Classification: Benign. Last evaluated: 2026-02-03. Review status: criteria provided, single submitter. Criteria: Invitae Variant Classification Sherloc (09022015). Collection method: clinical testing. Allele origin: germline.

GeneDx
Classification: Benign. Last evaluated: 2016-01-24. Review status: criteria provided, single submitter. Criteria: GeneDx Variant Classification (06012015). Collection method: clinical testing. Allele origin: germline. Affected: yes.
Comment: This variant is considered likely benign or benign based on one or more of the following criteria: it is a conservative change, it occurs at a poorly conserved position in the protein, it is predicted to be benign by multiple in silico algorithms, and/or has population frequency not consistent with disease.